The following is an entry in ClinVar:

NM_001379403.1(WDR26):c.1893T>G (p.Ser631=)

Gene: WDR26 (WD repeat domain 26; minus strand). Cytogenetic location: 1q42.11.
Variant type: single nucleotide variant.
Coding change: c.1893T>G on transcript NM_001379403.1 (MANE Select); coding-DNA position 1893, T replaced by G.
Protein change: p.Ser631=; no amino-acid change (serine 631 retained).
Molecular consequence: synonymous variant.
Genome position (GRCh38, 1-based): chr1:224,398,566, A>C on the plus strand (T>G on the coding strand, the complement: WDR26 is on the minus strand). VCF-style: chr1-224398566-A-C. GRCh37 (hg19) VCF-style: chr1-224586268-A-C.
Other names: c.1545T>G, p.Ser515= (NM_001115113.3); c.1593T>G, p.Ser531= (NM_025160.7).
Identifiers: ClinVar variation 4872199 (VCV004872199.3).

ClinVar aggregate classification (germline): Likely benign. Review status: criteria provided, multiple submitters, no conflicts (2 of 4 stars). 2 submissions from 2 submitters: Likely benign (2). Last evaluated 2026-06-01.

gnomAD v4.1: 149 of 1,610,996 alleles (0.0092%); highest among the groups gnomAD compares: Middle Eastern, 1.2%; 4 homozygotes.

Submissions (2):

CeGaT Center for Human Genetics Tuebingen
Classification: Likely benign. Last evaluated: 2026-06-01. Review status: criteria provided, single submitter. Criteria: CeGaT Center For Human Genetics Tuebingen Variant Classification Criteria Version 2. Collection method: clinical testing. Allele origin: germline. Affected: yes. Observed: 1 variant allele.
Comment: WDR26: BP4, BP7

Blueprint Genetics
Classification: Likely benign. Last evaluated: 2024-11-13. Review status: criteria provided, single submitter. Criteria: ACMG Guidelines, 2015. Collection method: clinical testing. Allele origin: germline.